The following is an entry in ClinVar:

ClinVar aggregate classification (germline): Benign (0 of 4 stars; one submission).

Conditions:
RPL15-related disorder. Also called: RPL15-related condition.

Submission:

PreventionGenetics, part of Exact Sciences
Classification: Benign for RPL15-related condition. Last evaluated: 2019-12-18. Review status: no assertion criteria provided. Collection method: clinical testing. Allele origin: germline.
Comment: This variant is classified as benign based on ACMG/AMP sequence variant interpretation guidelines (Richards et al. 2015 PMID: 25741868, with internal and published modifications).

NM_001253384.2(RPL15):c.361-15_361-5del

Genes: NKIRAS1 (NFKB inhibitor interacting Ras like 1; minus strand), RPL15 (ribosomal protein L15; plus strand). Cytogenetic location: 3p24.2.
Variant type: Deletion.
Coding change: c.361-15_361-5del on transcript NM_001253384.2; 15 bases into the intron before coding-DNA position 361 through 5 bases into the intron before coding-DNA position 361, 11 bases deleted (TTTTTTTTTTT).
Molecular consequence: intron variant.
Genome position (GRCh38, 1-based): chr3:23,921,583-23,921,593, TTTTTTTTTTT deleted; deleting any 11 consecutive bases within chr3:23,921,571-23,921,593 gives the same sequence; the c. name uses the placement nearest the transcript's 3' end. VCF-style (leftmost placement, unchanged base first): chr3-23921570-GTTTTTTTTTTT-G. GRCh37 (hg19) VCF-style: chr3-23963061-GTTTTTTTTTTT-G.
Other names: c.-139-10131_-139-10121del (NM_001377380.1).
Identifiers: ClinVar variation 3040543 (VCV003040543.2), dbSNP rs71622703, ClinGen allele CA541698995.